The following is an entry in ClinVar:

ClinVar aggregate classification (germline): Benign. Review status: criteria provided, multiple submitters, no conflicts (2 of 4 stars). 2 submissions from 2 submitters: Benign (2). Last evaluated 2018-01-12.

Conditions:
Disorders of Intracellular Cobalamin Metabolism. Identifiers: MedGen CN043592.

Allele frequency attached by ClinVar (database versions not stated): gnomAD 0.01260 and 0.01370; TOPMed 0.01430; 1000 Genomes Project 30x 0.01437; 1000 Genomes Project 0.01438.

Submissions (2):

Illumina Laboratory Services, Illumina
Classification: Benign for Disorders of Intracellular Cobalamin Metabolism. Last evaluated: 2018-01-12. Review status: criteria provided, single submitter. Criteria: ICSL Variant Classification Criteria 13 December 2019. Collection method: clinical testing. Allele origin: germline.
Comment: This variant was observed in the ICSL laboratory as part of a predisposition screen in an ostensibly healthy population. It had not been previously curated by ICSL or reported in the Human Gene Mutation Database (HGMD: prior to June 1st, 2018), and was therefore a candidate for classification through an automated scoring system. Utilizing variant allele frequency, disease prevalence and penetrance estimates, and inheritance mode, an automated score was calculated to assess if this variant is too frequent to cause the disease. Based on the score and internal cut-off values, a variant classified as benign is not then subjected to further curation. The score for this variant resulted in a classification of benign for this disease.

Breakthrough Genomics
Classification: Benign. Review status: criteria provided, single submitter. Criteria: ACMG Guidelines, 2015. Collection method: not provided. Allele origin: germline. Inheritance: Autosomal recessive inheritance. Affected: yes.

NM_000254.3(MTR):c.*4776A>C

Gene: MTR (5-methyltetrahydrofolate-homocysteine methyltransferase; plus strand). Cytogenetic location: 1q43.
Variant type: single nucleotide variant.
Coding change: c.*4776A>C on transcript NM_000254.3 (MANE Select); 4776 bases downstream of the stop codon, A replaced by C.
Molecular consequence: 3 prime UTR variant.
Genome position (GRCh38, 1-based): chr1:236,902,420, A>C. VCF-style: chr1-236902420-A-C. GRCh37 (hg19) VCF-style: chr1-237065720-A-C.
Other names: c.*4776A>C (NM_001291939.1, NM_001291940.2).
Identifiers: ClinVar variation 296675 (VCV000296675.6), dbSNP rs79548228, ClinGen allele CA10609725.